The following is an entry in ClinVar:

ClinVar aggregate classification (germline): Uncertain significance (1 of 4 stars; one submission).

Conditions:
Hereditary cancer-predisposing syndrome. Also called: Tumor predisposition; Hereditary Cancer Syndrome; Hereditary neoplastic syndrome; Neoplastic Syndromes, Hereditary. Identifiers: Orphanet 140162, MedGen C0027672, MeSH D009386, MONDO:0015356.

Allele frequency attached by ClinVar (database versions not stated): TOPMed below 0.00001.

Submissions (2):

Ambry Genetics
Classification: Uncertain significance for Hereditary cancer-predisposing syndrome. Last evaluated: 2019-12-15. Review status: criteria provided, single submitter. Criteria: Ambry Variant Classification Scheme 2023. Collection method: clinical testing. Allele origin: germline.
Comment: The p.L28V variant (also known as c.82C>G), located in coding exon 2 of the BRCA1 gene, results from a C to G substitution at nucleotide position 82. The leucine at codon 28 is replaced by valine, an amino acid with highly similar properties. This amino acid position is highly conserved in available vertebrate species. In addition, this alteration is predicted to be deleterious by in silico analysis. Since supporting evidence is limited at this time, the clinical significance of this alteration remains unclear.

Brotman Baty Institute, University of Washington
No classification provided (evidence only). Condition: Breast-ovarian cancer, familial 1. Review status: no classification provided. Collection method: in vitro. Allele origin: not applicable. Functional consequence: functionally_normal. Not counted in ClinVar's aggregate classification.
ClinVar note: "not provided" was previously submitted as the classification for the variant. However, the classification appeared to be based only on an observation of functional data so it was converted to no classification on 2025-07-30.

NM_007294.4(BRCA1):c.82C>G (p.Leu28Val)

Gene: BRCA1 (BRCA1 DNA repair associated; minus strand). Cytogenetic location: 17q21.31.
Variant type: single nucleotide variant.
Coding change: c.82C>G on transcript NM_007294.4 (MANE Select); coding-DNA position 82, C replaced by G.
Protein change: p.Leu28Val; replaces leucine 28 with valine.
Molecular consequence: missense variant. On other transcripts: non-coding transcript variant (1), intron variant (1).
Genome position (GRCh38, 1-based): chr17:43,115,778, G>C on the plus strand (C>G on the coding strand, the complement: BRCA1 is on the minus strand). VCF-style: chr17-43115778-G-C. GRCh37 (hg19) VCF-style: chr17-41267795-G-C.
Other names: c.82C>G, p.Leu28Val (NM_001408409.1, NM_001408411.1, NM_001408412.1 and 192 more transcripts); c.-60C>G (NM_001408410.1, NM_001408452.1, NM_001408453.1 and 47 more transcripts); c.-176C>G (NM_001408455.1, NM_001408456.1, NM_001408468.1 and 13 more transcripts); c.-180C>G (NM_001408465.1, NM_001407695.1); c.-107C>G (NM_001408478.1, NM_001408479.1, NM_001408480.1 and 52 more transcripts); c.-223C>G (NM_001408492.1, NM_001407889.1, NM_001407900.1); c.-222C>G (NM_001408510.1, NM_001408512.1, NM_001407960.1 and 1 more transcripts); c.-8+8239C>G (NM_007297.4); and 2 more; short protein forms L28V.
Identifiers: ClinVar variation 827565 (VCV000827565.7), dbSNP rs1219301058, ClinGen allele CA10601988.